The following is an entry in ClinVar:

NM_001040108.2(MLH3):c.2037_2038del (p.Ile679fs)

Gene: MLH3 (mutL homolog 3; minus strand). Cytogenetic location: 14q24.3.
Variant type: Deletion.
Coding change: c.2037_2038del on transcript NM_001040108.2 (MANE Select); coding-DNA positions 2037 to 2038, 2 bases deleted (AA; older notation c.2037_2038delAA).
Protein change: p.Ile679fs; shifts the reading frame from isoleucine 679.
Molecular consequence: frameshift variant.
Genome position (GRCh38, 1-based): chr14:75,047,618-75,047,619, TT deleted on the plus strand (AA on the coding strand, the reverse complement: MLH3 is on the minus strand). VCF-style (leftmost placement, unchanged base first): chr14-75047617-CTT-C. GRCh37 (hg19) VCF-style: chr14-75514320-CTT-C.
Other names: c.2037_2038del, p.Ile679fs (NM_014381.3); short protein forms I679fs.
Identifiers: ClinVar variation 2448594 (VCV002448594.3), dbSNP rs2503280088, ClinGen allele CA2580088785.
Genomic context (GRCh38, chr14:75,047,617, plus strand): 5'-CCTTCCTGAAAAGCAGAAAACATTGTATAAGTTGCTGTAGGTTCATTCTCTAGCCCATAA[CTT>C]ATATTCGTTCTGCAATTTTTTTTGTTGGGCAATTGACCAGATTCTTTACTTAAAGTGCTG-3'

ClinVar aggregate classification (germline): Pathogenic (1 of 4 stars; one submission).

Submission:

Ambry Genetics
Classification: Pathogenic. Last evaluated: 2026-06-03. Review status: criteria provided, single submitter. Criteria: Ambry Variant Classification Scheme 2023. Collection method: clinical testing. Allele origin: germline.
Comment: The c.2037_2038delAA pathogenic mutation, located in coding exon 1 of the MLH3 gene, results from a deletion of two nucleotides at nucleotide positions 2037 to 2038, causing a translational frameshift with a predicted alternate stop codon (p.I679Mfs*7). This variant is considered to be rare based on population cohorts in the Genome Aggregation Database (gnomAD). This alteration is expected to result in loss of function by premature protein truncation or nonsense-mediated mRNA decay. As such, this alteration is interpreted as a disease-causing mutation.